The following is an entry in ClinVar:

NM_001206927.2(DNAH8):c.3851C>T (p.Pro1284Leu)

Gene: DNAH8 (dynein axonemal heavy chain 8; plus strand). Cytogenetic location: 6p21.2.
Variant type: single nucleotide variant.
Coding change: c.3851C>T on transcript NM_001206927.2 (MANE Select); coding-DNA position 3851, C replaced by T.
Protein change: p.Pro1284Leu; replaces proline 1284 with leucine.
Molecular consequence: missense variant.
Genome position (GRCh38, 1-based): chr6:38,826,159, C>T. VCF-style: chr6-38826159-C-T. GRCh37 (hg19) VCF-style: chr6-38793935-C-T.
Other names: c.3200C>T, p.Pro1067Leu (NM_001371.4); short protein forms P1067L, P1284L.
Identifiers: ClinVar variation 964004 (VCV000964004.6), dbSNP rs562900966, ClinGen allele CA3788960.

ClinVar aggregate classification (germline): Uncertain significance. Review status: criteria provided, multiple submitters, no conflicts (2 of 4 stars). 3 submissions from 3 submitters: Uncertain significance (3). Last evaluated 2025-03-14.

Conditions:
Primary ciliary dyskinesia. Also called: Ciliary dyskinesia. Identifiers: Orphanet 244, MedGen C0008780, MONDO:0016575, HP:0012265.

Allele frequency attached by ClinVar (database versions not stated): TOPMed 0.00002; ExAC 0.00006; gnomAD exomes 0.00006 and 0.00008; gnomAD 0.00008; 1000 Genomes Project 30x 0.00016; 1000 Genomes Project 0.00020.
gnomAD v4.1: 103 of 1,586,900 alleles (0.0065%); highest among the groups gnomAD compares: Middle Eastern, 0.034%; 2 homozygotes.

Submissions (3):

Ambry Genetics
Classification: Uncertain significance. Last evaluated: 2025-03-14. Review status: criteria provided, single submitter. Criteria: Ambry Variant Classification Scheme 2023. Collection method: clinical testing. Allele origin: germline.

Labcorp Genetics (formerly Invitae), Labcorp
Classification: Uncertain significance for Primary ciliary dyskinesia. Last evaluated: 2021-08-28. Review status: criteria provided, single submitter. Criteria: Invitae Variant Classification Sherloc (09022015). Collection method: clinical testing. Allele origin: germline.
Comment: This sequence change replaces proline with leucine at codon 1284 of the DNAH8 protein (p.Pro1284Leu). The proline residue is moderately conserved and there is a moderate physicochemical difference between proline and leucine. This variant is present in population databases (rs562900966, ExAC 0.05%). This variant has not been reported in the literature in individuals affected with DNAH8-related conditions. Algorithms developed to predict the effect of missense changes on protein structure and function are either unavailable or do not agree on the potential impact of this missense change (SIFT: "Tolerated"; PolyPhen-2: "Not Available"; Align-GVGD: "Class C0"). In summary, the available evidence is currently insufficient to determine the role of this variant in disease. Therefore, it has been classified as a Variant of Uncertain Significance.

Breakthrough Genomics
Classification: Uncertain significance. Review status: criteria provided, single submitter. Criteria: ACMG Guidelines, 2015. Collection method: not provided. Allele origin: germline. Inheritance: Autosomal recessive inheritance. Affected: yes.